The following is an entry in ClinVar:

NM_000264.5(PTCH1):c.626T>G (p.Leu209Arg)

Gene: PTCH1 (patched 1; minus strand). Cytogenetic location: 9q22.32.
Variant type: single nucleotide variant.
Coding change: c.626T>G on transcript NM_000264.5 (MANE Select); coding-DNA position 626, T replaced by G.
Protein change: p.Leu209Arg; replaces leucine 209 with arginine.
Molecular consequence: missense variant. On other transcripts: non-coding transcript variant (1).
Genome position (GRCh38, 1-based): chr9:95,482,162, A>C on the plus strand (T>G on the coding strand, the complement: PTCH1 is on the minus strand). VCF-style: chr9-95482162-A-C. GRCh37 (hg19) VCF-style: chr9-98244444-A-C.
Other names: c.428T>G, p.Leu143Arg (NM_001083602.3, NM_001354919.2); c.623T>G, p.Leu208Arg (NM_001083603.3); c.173T>G, p.Leu58Arg (NM_001083604.3, NM_001083605.3, NM_001083606.3 and 1 more transcripts); c.626T>G, p.Leu209Arg (NM_001354918.2); short protein forms L143R, L209R, L208R, L58R.
Identifiers: ClinVar variation 3311198 (VCV003311198.2).

ClinVar aggregate classification (germline): Uncertain significance (1 of 4 stars; one submission).

Conditions:
Hereditary cancer-predisposing syndrome. Also called: Neoplastic Syndromes, Hereditary; Tumor predisposition; Hereditary Cancer Syndrome; Hereditary neoplastic syndrome. Identifiers: Orphanet 140162, MedGen C0027672, MeSH D009386, MONDO:0015356.

Submission:

Ambry Genetics
Classification: Uncertain significance for Hereditary cancer-predisposing syndrome. Last evaluated: 2026-09-04. Review status: criteria provided, single submitter. Criteria: Ambry Variant Classification Scheme 2023. Collection method: clinical testing. Allele origin: germline.
Comment: The p.L209R variant (also known as c.626T>G), located in coding exon 4 of the PTCH1 gene, results from a T to G substitution at nucleotide position 626. The leucine at codon 209 is replaced by arginine, an amino acid with dissimilar properties. This amino acid position is well conserved in available vertebrate species. In addition, this alteration is predicted to be deleterious by in silico analysis. Based on the available evidence, the clinical significance of this variant remains unclear.